The following is an entry in ClinVar:

NM_001271.4(CHD2):c.2180A>G (p.Gln727Arg)

Gene: CHD2 (chromodomain helicase DNA binding protein 2; plus strand). Cytogenetic location: 15q26.1.
Variant type: single nucleotide variant.
Coding change: c.2180A>G on transcript NM_001271.4 (MANE Select); coding-DNA position 2180, A replaced by G.
Protein change: p.Gln727Arg; replaces glutamine 727 with arginine.
Molecular consequence: missense variant.
Genome position (GRCh38, 1-based): chr15:92,967,504, A>G. VCF-style: chr15-92967504-A-G. GRCh37 (hg19) VCF-style: chr15-93510734-A-G.
Other names: short protein forms Q727R.
Identifiers: ClinVar variation 1479432 (VCV001479432.8), dbSNP rs2141830697, ClinGen allele CA393907400.

ClinVar aggregate classification (germline): Uncertain significance (1 of 4 stars; one submission).

Conditions:
Developmental and epileptic encephalopathy 94 (DEE94). Also called: CHD2-Related Neurodevelopmental Disorders; Epileptic encephalopathy, childhood-onset. Identifiers: Orphanet 1942, Orphanet 2382, MedGen C3809278, MONDO:0014150, OMIM 615369.

Submission:

Labcorp Genetics (formerly Invitae), Labcorp
Classification: Uncertain significance for Developmental and epileptic encephalopathy 94. Last evaluated: 2021-07-26. Review status: criteria provided, single submitter. Criteria: Invitae Variant Classification Sherloc (09022015). Collection method: clinical testing. Allele origin: germline.
Comment: In summary, the available evidence is currently insufficient to determine the role of this variant in disease. Therefore, it has been classified as a Variant of Uncertain Significance. Advanced modeling of protein sequence and biophysical properties (such as structural, functional, and spatial information, amino acid conservation, physicochemical variation, residue mobility, and thermodynamic stability) performed at Invitae indicates that this missense variant is not expected to disrupt CHD2 protein function. This variant has not been reported in the literature in individuals affected with CHD2-related conditions. This variant is not present in population databases (ExAC no frequency). This sequence change replaces glutamine with arginine at codon 727 of the CHD2 protein (p.Gln727Arg). The glutamine residue is highly conserved and there is a small physicochemical difference between glutamine and arginine.